The following is an entry in ClinVar:

ClinVar aggregate classification (germline): Uncertain significance (1 of 4 stars; one submission).

Conditions:
Congenital adrenal hypoplasia, X-linked (AHC). Also called: Isolated X-Linked Adrenal Hypoplasia Congenita; X-linked AHC; X-Linked Adrenal Hypoplasia Congenita; ADRENAL HYPOPLASIA, CONGENITAL, WITH HYPOGONADOTROPIC HYPOGONADISM. Identifiers: Orphanet 95702, MedGen C0342482, MONDO:0010264, OMIM 300200. Disease mechanism: loss of function.
46,XY sex reversal 2. Also called: NR0B1-Related 46,XY CGD; NR0B1-related 46,XY complete gonadal dysgenesis; Dosage-sensitive sex reversal; 46XY sex reversal 2, dosage-sensitive; 46,XY SEX REVERSAL, DAX1-RELATED. Identifiers: MedGen C1848296, MONDO:0010226, OMIM 300018.

Submission:

Labcorp Genetics (formerly Invitae), Labcorp
Classification: Uncertain significance for Congenital adrenal hypoplasia, X-linked; 46,XY sex reversal 2. Last evaluated: 2025-12-13. Review status: criteria provided, single submitter. Criteria: Invitae Variant Classification Sherloc (09022015). Collection method: clinical testing. Allele origin: germline.
Comment: This sequence change replaces isoleucine, which is neutral and non-polar, with asparagine, which is neutral and polar, at codon 320 of the NR0B1 protein (p.Ile320Asn). This variant is not present in population databases (gnomAD no frequency). This variant has not been reported in the literature in individuals affected with NR0B1-related conditions. Invitae Evidence Modeling of protein sequence and biophysical properties (such as structural, functional, and spatial information, amino acid conservation, physicochemical variation, residue mobility, and thermodynamic stability) indicates that this missense variant is not expected to disrupt NR0B1 protein function with a negative predictive value of 80%. In summary, the available evidence is currently insufficient to determine the role of this variant in disease. Therefore, it has been classified as a Variant of Uncertain Significance.

NM_000475.5(NR0B1):c.959T>A (p.Ile320Asn)

Gene: NR0B1 (nuclear receptor subfamily 0 group B member 1; minus strand). Cytogenetic location: Xp21.2.
Variant type: single nucleotide variant.
Coding change: c.959T>A on transcript NM_000475.5 (MANE Select); coding-DNA position 959, T replaced by A.
Protein change: p.Ile320Asn; replaces isoleucine 320 with asparagine.
Molecular consequence: missense variant.
Genome position (GRCh38, 1-based): chrX:30,308,405, A>T on the plus strand (T>A on the coding strand, the complement: NR0B1 is on the minus strand). VCF-style: chrX-30308405-A-T. GRCh37 (hg19) VCF-style: chrX-30326522-A-T.
Other names: short protein forms I320N.
Identifiers: ClinVar variation 4782434 (VCV004782434.1).